The following is an entry in ClinVar:

ClinVar aggregate classification (germline): Uncertain significance. Review status: criteria provided, multiple submitters, no conflicts (2 of 4 stars). 3 submissions from 3 submitters: Uncertain significance (3). Last evaluated 2024-10-29.

Conditions:
Inborn genetic diseases. Identifiers: MedGen C0950123, MeSH D030342.
Rubinstein-Taybi syndrome due to EP300 haploinsufficiency. Also called: EP300-Related Rubinstein-Taybi Syndrome; RUBINSTEIN-TAYBI SYNDROME 2. Identifiers: Orphanet 353284, Orphanet 783, MedGen C3150941, MONDO:0013364, OMIM 613684.

Allele frequency attached by ClinVar (database versions not stated): gnomAD exomes below 0.00001.
gnomAD v4.1: 3 of 1,614,048 alleles (0.00019%); highest among the groups gnomAD compares: South Asian, 0.0033%; no homozygotes.

Submissions (3):

Ambry Genetics
Classification: Uncertain significance for Inborn genetic diseases. Last evaluated: 2024-10-29. Review status: criteria provided, single submitter. Criteria: Ambry Variant Classification Scheme 2023. Collection method: clinical testing. Allele origin: germline.

Revvity Omics, Revvity
Classification: Uncertain significance. Last evaluated: 2024-09-21. Review status: criteria provided, single submitter. Criteria: ACMG Guidelines, 2015. Collection method: clinical testing. Allele origin: germline.

Labcorp Genetics (formerly Invitae), Labcorp
Classification: Uncertain significance for Rubinstein-Taybi syndrome due to EP300 haploinsufficiency. Last evaluated: 2022-03-26. Review status: criteria provided, single submitter. Criteria: Invitae Variant Classification Sherloc (09022015). Collection method: clinical testing. Allele origin: germline.
Comment: In summary, the available evidence is currently insufficient to determine the role of this variant in disease. Therefore, it has been classified as a Variant of Uncertain Significance. Advanced modeling of protein sequence and biophysical properties (such as structural, functional, and spatial information, amino acid conservation, physicochemical variation, residue mobility, and thermodynamic stability) performed at Invitae indicates that this missense variant is not expected to disrupt EP300 protein function. This variant has not been reported in the literature in individuals affected with EP300-related conditions. This variant is not present in population databases (gnomAD no frequency). This sequence change replaces proline, which is neutral and non-polar, with leucine, which is neutral and non-polar, at codon 864 of the EP300 protein (p.Pro864Leu).

NM_001429.4(EP300):c.2591C>T (p.Pro864Leu)

Gene: EP300 (EP300 lysine acetyltransferase; plus strand). Cytogenetic location: 22q13.2.
Variant type: single nucleotide variant.
Coding change: c.2591C>T on transcript NM_001429.4 (MANE Select); coding-DNA position 2591, C replaced by T.
Protein change: p.Pro864Leu; replaces proline 864 with leucine.
Molecular consequence: missense variant.
Genome position (GRCh38, 1-based): chr22:41,149,972, C>T. VCF-style: chr22-41149972-C-T. GRCh37 (hg19) VCF-style: chr22-41545976-C-T.
Other names: c.2513C>T, p.Pro838Leu (NM_001362843.2); c.2591C>T (NM_001429.3); short protein forms P838L, P864L.
Identifiers: ClinVar variation 2117356 (VCV002117356.6), dbSNP rs2517798001, ClinGen allele CA411691603.